The following is an entry in ClinVar:

ClinVar aggregate classification (germline): Likely pathogenic (1 of 4 stars; one submission).

Allele frequency attached by ClinVar (database versions not stated): gnomAD 0.00001; gnomAD exomes 0.00001; TOPMed 0.00001.
gnomAD v4.1: 14 of 1,612,880 alleles (0.00087%); highest among the groups gnomAD compares: Non-Finnish European, 0.0012%; no homozygotes.

Submission:

Labcorp Genetics (formerly Invitae), Labcorp
Classification: Likely pathogenic. Last evaluated: 2024-10-25. Review status: criteria provided, single submitter. Criteria: Invitae Variant Classification Sherloc (09022015). Collection method: clinical testing. Allele origin: germline.
Comment: This sequence change affects a donor splice site in intron 54 of the DNAH9 gene. It is expected to disrupt RNA splicing. Variants that disrupt the donor or acceptor splice site typically lead to a loss of protein function (PMID: 16199547), and loss-of-function variants in DNAH9 are known to be pathogenic (PMID: 30471718). This variant is not present in population databases (gnomAD no frequency). This variant has not been reported in the literature in individuals affected with DNAH9-related conditions. Algorithms developed to predict the effect of sequence changes on RNA splicing suggest that this variant may disrupt the consensus splice site. In summary, the currently available evidence indicates that the variant is pathogenic, but additional data are needed to prove that conclusively. Therefore, this variant has been classified as Likely Pathogenic.

Literature cited by the submitters: PubMed 16199547; PubMed 30471718.

NM_001372.4(DNAH9):c.10601+1G>A

Genes: DNAH9 (dynein axonemal heavy chain 9; plus strand), LOC101928350 (uncharacterized LOC101928350; minus strand). Cytogenetic location: 17p12.
Variant type: single nucleotide variant.
Coding change: c.10601+1G>A on transcript NM_001372.4 (MANE Select); the canonical splice donor site of the intron after coding-DNA position 10601, G replaced by A.
Molecular consequence: splice donor variant.
Genome position (GRCh38, 1-based): chr17:11,880,201, G>A. VCF-style: chr17-11880201-G-A. GRCh37 (hg19) VCF-style: chr17-11783518-G-A.
Identifiers: ClinVar variation 2987076 (VCV002987076.3), dbSNP rs1972664233, ClinGen allele CA398197795.
Genomic context (GRCh38, chr17:11,880,201, plus strand): 5'-GGAGTCCATTGATCCTGTTCTGGGACCCCTGCTTGGGAGAGAAGTCATTAAAAAAGGACG[G>A]TAAGACTCAGCTGTGTTGCTGACCCTTCGGGGGGAGCTGGTTCATGGCCCTGGTTAGAAT-3'